The following is an entry in ClinVar:

NM_014727.3(KMT2B):c.3137G>T (p.Arg1046Leu)

Gene: KMT2B (lysine methyltransferase 2B; plus strand). Cytogenetic location: 19q13.12.
Variant type: single nucleotide variant.
Coding change: c.3137G>T on transcript NM_014727.3 (MANE Select); coding-DNA position 3137, G replaced by T.
Protein change: p.Arg1046Leu; replaces arginine 1046 with leucine.
Molecular consequence: missense variant.
Genome position (GRCh38, 1-based): chr19:35,723,810, G>T. VCF-style: chr19-35723810-G-T. GRCh37 (hg19) VCF-style: chr19-36214711-G-T.
Other names: short protein forms R1046L.
Identifiers: ClinVar variation 3669625 (VCV003669625.2).

ClinVar aggregate classification (germline): Uncertain significance (1 of 4 stars; one submission).

Submission:

Labcorp Genetics (formerly Invitae), Labcorp
Classification: Uncertain significance. Last evaluated: 2025-08-11. Review status: criteria provided, single submitter. Criteria: Invitae Variant Classification Sherloc (09022015). Collection method: clinical testing. Allele origin: germline.
Comment: This sequence change replaces arginine, which is basic and polar, with leucine, which is neutral and non-polar, at codon 1046 of the KMT2B protein (p.Arg1046Leu). This variant is not present in population databases (gnomAD no frequency). This variant has not been reported in the literature in individuals affected with KMT2B-related conditions. ClinVar contains an entry for this variant (Variation ID: 3669625). Invitae Evidence Modeling of protein sequence and biophysical properties (such as structural, functional, and spatial information, amino acid conservation, physicochemical variation, residue mobility, and thermodynamic stability) indicates that this missense variant is not expected to disrupt KMT2B protein function with a negative predictive value of 95%. In summary, the available evidence is currently insufficient to determine the role of this variant in disease. Therefore, it has been classified as a Variant of Uncertain Significance.